The following is an entry in ClinVar:

NM_001166108.2(PALLD):c.1723G>C (p.Glu575Gln)

Gene: PALLD (palladin, cytoskeletal associated protein; plus strand). Cytogenetic location: 4q32.3.
Variant type: single nucleotide variant.
Coding change: c.1723G>C on transcript NM_001166108.2 (MANE Select); coding-DNA position 1723, G replaced by C.
Protein change: p.Glu575Gln; replaces glutamic acid 575 with glutamine.
Molecular consequence: missense variant.
Genome position (GRCh38, 1-based): chr4:168,711,682, G>C. VCF-style: chr4-168711682-G-C. GRCh37 (hg19) VCF-style: chr4-169632833-G-C.
Other names: c.577G>C, p.Glu193Gln (NM_001166109.2); c.1723G>C, p.Glu575Gln (NM_016081.4); short protein forms E193Q, E575Q.
Identifiers: ClinVar variation 3226753 (VCV003226753.1), dbSNP rs1784852596, ClinGen allele CA358798073.

ClinVar aggregate classification (germline): Uncertain significance (1 of 4 stars; one submission).

Allele frequency attached by ClinVar (database versions not stated): gnomAD exomes below 0.00001; TOPMed below 0.00001.
gnomAD v4.1: 1 of 1,613,988 alleles (0.000062%); highest among the groups gnomAD compares: East Asian, 0.0022%; no homozygotes.

Submission:

Ambry Genetics
Classification: Uncertain significance. Last evaluated: 2023-10-10. Review status: criteria provided, single submitter. Criteria: Ambry Variant Classification Scheme 2023. Collection method: clinical testing. Allele origin: germline.
Comment: The p.E575Q variant (also known as c.1723G>C), located in coding exon 9 of the PALLD gene, results from a G to C substitution at nucleotide position 1723. The glutamic acid at codon 575 is replaced by glutamine, an amino acid with highly similar properties. This amino acid position is conserved. In addition, this alteration is predicted to be tolerated by in silico analysis. Since supporting evidence is limited at this time, the clinical significance of this alteration remains unclear.